The following is an entry in ClinVar:

NM_001365276.2(TNXB):c.8017C>T (p.Arg2673Trp)

Gene: TNXB (tenascin XB; minus strand). Cytogenetic location: 6p21.33.
Variant type: single nucleotide variant.
Coding change: c.8017C>T on transcript NM_001365276.2 (MANE Select); coding-DNA position 8017, C replaced by T.
Protein change: p.Arg2673Trp; replaces arginine 2673 with tryptophan.
Molecular consequence: missense variant.
Genome position (GRCh38, 1-based): chr6:32,056,712, G>A on the plus strand (C>T on the coding strand, the complement: TNXB is on the minus strand). VCF-style: chr6-32056712-G-A. GRCh37 (hg19) VCF-style: chr6-32024489-G-A.
Other names: c.8017C>T, p.Arg2673Trp (NM_019105.8); short protein forms R2673W.
Identifiers: ClinVar variation 1761666 (VCV001761666.16), dbSNP rs779108546, ClinGen allele CA3733988.

ClinVar aggregate classification (germline): Uncertain significance. Review status: criteria provided, multiple submitters, no conflicts (2 of 4 stars). 2 submissions from 2 submitters: Uncertain significance (2). Last evaluated 2025-12-02.

Conditions:
Cardiovascular phenotype. Identifiers: MedGen CN230736.

Allele frequency attached by ClinVar (database versions not stated): TOPMed 0.00003.
gnomAD v4.1: 9 of 1,613,024 alleles (0.00056%); highest among the groups gnomAD compares: East Asian, 0.0045%; no homozygotes.

Submissions (2):

Ambry Genetics
Classification: Uncertain significance for Cardiovascular phenotype. Last evaluated: 2025-12-02. Review status: criteria provided, single submitter. Criteria: Ambry Variant Classification Scheme 2023. Collection method: clinical testing. Allele origin: germline.
Comment: The p.R2673W variant (also known as c.8017C>T), located in coding exon 22 of the TNXB gene, results from a C to T substitution at nucleotide position 8017. The arginine at codon 2673 is replaced by tryptophan, an amino acid with dissimilar properties. This amino acid position is conserved. In addition, this alteration is predicted to be tolerated by in silico analysis. Since supporting evidence is limited at this time, the clinical significance of this alteration remains unclear.

CeGaT Center for Human Genetics Tuebingen
Classification: Uncertain significance. Last evaluated: 2024-11-01. Review status: criteria provided, single submitter. Criteria: CeGaT Center For Human Genetics Tuebingen Variant Classification Criteria Version 2. Collection method: clinical testing. Allele origin: germline. Affected: yes. Observed: 1 variant allele.
Comment: TNXB: PS2:Moderate, BP4